The following is an entry in ClinVar:

NM_033305.3(VPS13A):c.8428A>T (p.Ser2810Cys)

Gene: VPS13A (vacuolar protein sorting 13 homolog A; plus strand). Cytogenetic location: 9q21.2.
Variant type: single nucleotide variant.
Coding change: c.8428A>T on transcript NM_033305.3 (MANE Select); coding-DNA position 8428, A replaced by T.
Protein change: p.Ser2810Cys; replaces serine 2810 with cysteine.
Molecular consequence: missense variant.
Genome position (GRCh38, 1-based): chr9:77,366,829, A>T. VCF-style: chr9-77366829-A-T. GRCh37 (hg19) VCF-style: chr9-79981745-A-T.
Other names: c.8311A>T, p.Ser2771Cys (NM_001018037.2); c.8428A>T, p.Ser2810Cys (NM_001018038.3, NM_015186.4); short protein forms S2771C, S2810C.
Identifiers: ClinVar variation 4281179 (VCV004281179.7).

ClinVar aggregate classification (germline): Uncertain significance (1 of 4 stars; one submission).

Submission:

CeGaT Center for Human Genetics Tuebingen
Classification: Uncertain significance. Last evaluated: 2025-09-01. Review status: criteria provided, single submitter. Criteria: CeGaT Center For Human Genetics Tuebingen Variant Classification Criteria Version 2. Collection method: clinical testing. Allele origin: germline. Affected: yes. Observed: 1 variant allele.
Comment: VPS13A: PM2, PP3